The following is an entry in ClinVar:

ClinVar aggregate classification (germline): Uncertain significance. Review status: criteria provided, multiple submitters, no conflicts (2 of 4 stars). 4 submissions from 4 submitters: Uncertain significance (4). Last evaluated 2025-08-31.

Conditions:
Colorectal cancer. Also called: Colorectal cancer, somatic; Malignant Colorectal Neoplasm. Identifiers: MedGen C0346629, MONDO:0005575, OMIM 114500.
Gastric adenocarcinoma and proximal polyposis of the stomach (GAPPS). Also called: POLYPOSIS, GASTRIC; Polyposis, gastric, Dos Santos and de Magalhaes 1980; Gastric Adenocarcinoma and Proximal Polyposis of the Stomach (GAPPS). Identifiers: Orphanet 314022, MedGen C4749917, MONDO:0017790, OMIM 619182.
Gastric cancer. Also called: Stomach cancer; Malignant tumor of stomach. Identifiers: MedGen C0024623, MeSH D013274, MONDO:0001056, OMIM 613659, HP:0012126.
Hepatocellular carcinoma (HCC). Also called: HEPATOMA; LIVER CELL CARCINOMA; Primary carcinoma of liver. Identifiers: Orphanet 88673, MedGen C2239176, MONDO:0007256, OMIM 114550, HP:0001402.
Desmoid disease, hereditary (DESMD). Also called: FIBROMATOSIS, FAMILIAL INFILTRATIVE. Identifiers: Orphanet 873, MedGen C1851124, OMIM 135290. Disease mechanism: loss of function.
Familial adenomatous polyposis 1 (FAP1). Also called: FAMILIAL ADENOMATOUS POLYPOSIS 1, ATTENUATED; POLYPOSIS, ADENOMATOUS INTESTINAL. Identifiers: MedGen C2713442, MONDO:0021056, OMIM 175100. Disease mechanism: loss of function.
Hereditary cancer-predisposing syndrome. Also called: Neoplastic Syndromes, Hereditary; Tumor predisposition; Hereditary Cancer Syndrome; Hereditary neoplastic syndrome. Identifiers: Orphanet 140162, MedGen C0027672, MeSH D009386, MONDO:0015356.

Allele frequency attached by ClinVar (database versions not stated): gnomAD exomes below 0.00001; gnomAD 0.00001; TOPMed 0.00002.
gnomAD v4.1: 4 of 1,613,998 alleles (0.00025%); highest among the groups gnomAD compares: African/African-American, 0.0053%; no homozygotes.

Submissions (4):

Labcorp Genetics (formerly Invitae), Labcorp
Classification: Uncertain significance for Familial adenomatous polyposis 1. Last evaluated: 2025-08-31. Review status: criteria provided, single submitter. Criteria: Invitae Variant Classification Sherloc (09022015). Collection method: clinical testing. Allele origin: germline.
Comment: This sequence change replaces alanine, which is neutral and non-polar, with valine, which is neutral and non-polar, at codon 928 of the APC protein (p.Ala928Val). This variant is present in population databases (no rsID available, gnomAD 0.007%). This variant has not been reported in the literature in individuals affected with APC-related conditions. ClinVar contains an entry for this variant (Variation ID: 1795961). Invitae Evidence Modeling of protein sequence and biophysical properties (such as structural, functional, and spatial information, amino acid conservation, physicochemical variation, residue mobility, and thermodynamic stability) indicates that this missense variant is not expected to disrupt APC protein function with a negative predictive value of 95%. In summary, the available evidence is currently insufficient to determine the role of this variant in disease. Therefore, it has been classified as a Variant of Uncertain Significance.

Ambry Genetics
Classification: Uncertain significance for Hereditary cancer-predisposing syndrome. Last evaluated: 2025-07-16. Review status: criteria provided, single submitter. Criteria: Ambry Variant Classification Scheme 2023. Collection method: clinical testing. Allele origin: germline.
Comment: The p.A928V variant (also known as c.2783C>T), located in coding exon 15 of the APC gene, results from a C to T substitution at nucleotide position 2783. The alanine at codon 928 is replaced by valine, an amino acid with similar properties. This amino acid position is not well conserved in available vertebrate species. In addition, in silico predictors for this gene do not accurately predict pathogenicity. Since supporting evidence is limited at this time, the clinical significance of this alteration remains unclear.

Fulgent Genetics
Classification: Uncertain significance for Colorectal cancer; Hepatocellular carcinoma; Desmoid disease, hereditary; Familial adenomatous polyposis 1; Gastric cancer; Gastric adenocarcinoma and proximal polyposis of the stomach. Last evaluated: 2024-05-30. Review status: criteria provided, single submitter. Criteria: ACMG Guidelines, 2015. Collection method: clinical testing. Allele origin: germline.

Color Diagnostics, LLC DBA Color Health
Classification: Uncertain significance for Hereditary cancer-predisposing syndrome. Last evaluated: 2023-03-28. Review status: criteria provided, single submitter. Criteria: ACMG Guidelines, 2015. Collection method: clinical testing. Allele origin: germline.
Comment: This missense variant replaces alanine with valine at codon 928 of the APC protein. Computational prediction suggests that this variant may not impact protein structure and function (internally defined REVEL score threshold <= 0.5, PMID: 27666373). To our knowledge, functional studies have not been reported for this variant. This variant has not been reported in individuals affected with APC-related disorders in the literature. This variant has been identified in 1/250882 chromosomes in the general population by the Genome Aggregation Database (gnomAD). The available evidence is insufficient to determine the role of this variant in disease conclusively. Therefore, this variant is classified as a Variant of Uncertain Significance.

NM_000038.6(APC):c.2783C>T (p.Ala928Val)

Gene: APC (APC regulator of Wnt signaling pathway; plus strand). Cytogenetic location: 5q22.2.
Variant type: single nucleotide variant.
Coding change: c.2783C>T on transcript NM_000038.6 (MANE Select); coding-DNA position 2783, C replaced by T.
Protein change: p.Ala928Val; replaces alanine 928 with valine.
Molecular consequence: missense variant.
Genome position (GRCh38, 1-based): chr5:112,838,377, C>T. VCF-style: chr5-112838377-C-T. GRCh37 (hg19) VCF-style: chr5-112174074-C-T.
Other names: c.2837C>T, p.Ala946Val (NM_001407449.1, NM_001354896.2, NM_001407447.1 and 1 more transcripts); c.2783C>T, p.Ala928Val (NM_001407450.1, NM_001127510.3, NM_001354895.2); c.2762C>T, p.Ala921Val (NM_001407451.1); c.2753C>T, p.Ala918Val (NM_001407452.1); c.2606C>T, p.Ala869Val (NM_001407453.1, NM_001354901.2); c.2534C>T, p.Ala845Val (NM_001407454.1, NM_001407455.1, NM_001407456.1 and 1 more transcripts); c.2480C>T, p.Ala827Val (NM_001407458.1, NM_001354903.2, NM_001407459.1 and 1 more transcripts); c.2729C>T, p.Ala910Val (NM_001127511.3); and 11 more; short protein forms A869V, A887V, A918V, A921V, A956V, A645V, A845V, A910V.
Identifiers: ClinVar variation 1795961 (VCV001795961.10), dbSNP rs1445394695, ClinGen allele CA16027402.